The following is an entry in ClinVar:

NM_002474.3(MYH11):c.726+1G>A

Gene: MYH11 (myosin heavy chain 11; minus strand). Cytogenetic location: 16p13.11.
Variant type: single nucleotide variant.
Coding change: c.726+1G>A on transcript NM_002474.3 (MANE Select); the canonical splice donor site of the intron after coding-DNA position 726, G replaced by A.
Molecular consequence: splice donor variant.
Genome position (GRCh38, 1-based): chr16:15,782,384, C>T on the plus strand (G>A on the coding strand, the complement: MYH11 is on the minus strand). VCF-style: chr16-15782384-C-T. GRCh37 (hg19) VCF-style: chr16-15876241-C-T.
Other names: c.726+1G>A (NM_022844.3); c.747+1G>A (NM_001040114.2, NM_001040113.2).
Identifiers: ClinVar variation 489128 (VCV000489128.5), dbSNP rs778155466, ClinGen allele CA7922844.

ClinVar aggregate classification (germline): Conflicting classifications of pathogenicity. Review status: criteria provided, conflicting classifications (1 of 4 stars). 2 submissions from 2 submitters: Likely pathogenic (1); Uncertain significance (1). Last evaluated 2023-08-09.

Conditions:
Familial thoracic aortic aneurysm and aortic dissection (TAAD). Also called: Thoracic aortic aneurysms and dissections. Identifiers: Orphanet 91387, MedGen C4707243, MONDO:0019625.

Allele frequency attached by ClinVar (database versions not stated): gnomAD exomes below 0.00001; ExAC 0.00001.
gnomAD v4.1: 2 of 1,613,722 alleles (0.00012%); highest among the groups gnomAD compares: South Asian, 0.0011%; no homozygotes.

Submissions (2):

GeneDx
Classification: Likely pathogenic. Last evaluated: 2023-08-09. Review status: criteria provided, single submitter. Criteria: GeneDx Variant Classification Process June 2021. Collection method: clinical testing. Allele origin: germline. Affected: yes.
Comment: Canonical splice site variant predicted to result in an in-frame loss of the adjacent exon in a gene for which loss of function is a known mechanism of disease; Not observed at significant frequency in large population cohorts (gnomAD); Has not been previously published as pathogenic or benign to our knowledge

All of Us Research Program, National Institutes of Health
Classification: Uncertain significance for Familial thoracic aortic aneurysm and aortic dissection. Last evaluated: 2023-05-04. Review status: criteria provided, single submitter. Criteria: ACMG Guidelines, 2015. Collection method: clinical testing. Allele origin: germline. Inheritance: Autosomal dominant inheritance. Observed: 1 variant allele, 1 heterozygote.
Comment: This variant causes a G to A nucleotide substitution at the +1 position of intron 7 of the MYH11 gene. Splice site prediction tools suggest that this variant may disrupt RNA splicing. To our knowledge, functional RNA studies have not been reported for this variant. This variant has not been reported in individuals affected with MYH11-related disorders in the literature. This variant has been identified in 1/251228 chromosomes in the general population by the Genome Aggregation Database (gnomAD). Clinical significance of loss-of-function MYH11 truncation and splice variants in autosomal dominant cardiovascular disorders is not clearly established. The available evidence is insufficient to determine the role of this variant in disease conclusively. Therefore, this variant is classified as a Variant of Uncertain Significance.

This study involves interpretation of variants in research participants for the purpose of population health screening. Participant phenotype was not available at the time of variant classification. Additional details can be found in publication PMID: 35346344, PMCID: PMC8962531